The following is an entry in ClinVar:

ClinVar aggregate classification (germline): Likely pathogenic (1 of 4 stars; one submission).

Conditions:
Autosomal recessive limb-girdle muscular dystrophy type 2J (LGMDR10). Also called: Limb-girdle muscular dystrophy, type 2J; MUSCULAR DYSTROPHY, LIMB-GIRDLE, AUTOSOMAL RECESSIVE 10. Identifiers: Orphanet 140922, MedGen C1837342, MONDO:0012127, OMIM 608807.
Dilated cardiomyopathy 1G (CMD1G). Identifiers: Orphanet 154, MedGen C1858763, MONDO:0011400, OMIM 604145.

Submission:

Labcorp Genetics (formerly Invitae), Labcorp
Classification: Likely pathogenic for Dilated cardiomyopathy 1G; Autosomal recessive limb-girdle muscular dystrophy type 2J. Last evaluated: 2023-04-14. Review status: criteria provided, single submitter. Criteria: Invitae Variant Classification Sherloc (09022015). Collection method: clinical testing. Allele origin: germline.
Comment: In summary, the currently available evidence indicates that the variant is pathogenic, but additional data are needed to prove that conclusively. Therefore, this variant has been classified as Likely Pathogenic. This variant has not been reported in the literature in individuals affected with TTN-related conditions. This variant is not present in population databases (gnomAD no frequency). This variant is located in the A band of TTN (PMID: 25589632). Truncating variants in this region are significantly overrepresented in patients affected with dilated cardiomyopathy (PMID: 25589632). Truncating variants in this region have also been reported in individuals affected with autosomal recessive centronuclear myopathy (PMID: 23975875). This sequence change creates a premature translational stop signal (p.Gln24524Thrfs*10) in the TTN gene. While this is not anticipated to result in nonsense mediated decay, it is expected to create a truncated TTN protein.

Literature cited by the submitters: PubMed 25589632; PubMed 23975875.

NM_001267550.2(TTN):c.73568dup (p.Gln24524fs)

Genes: TTN (titin; minus strand), TTN-AS1 (TTN antisense RNA 1; plus strand). Cytogenetic location: 2q31.2.
Variant type: Duplication.
Coding change: c.73568dup on transcript NM_001267550.2 (MANE Select); coding-DNA position 73568, one base duplicated (C; older notation c.73568dupC).
Protein change: p.Gln24524fs; shifts the reading frame from glutamine 24524.
Molecular consequence: frameshift variant.
Genome position (GRCh38, 1-based): chr2:178,572,564, G duplicated on the plus strand (C on the coding strand, the reverse complement: TTN is on the minus strand); the first of 6 consecutive G bases (chr2:178,572,564-178,572,569); duplicating any one gives the same sequence. VCF-style (leftmost placement, unchanged base first): chr2-178572563-T-TG. GRCh37 (hg19) VCF-style: chr2-179437290-T-TG.
Other names: c.68645dup, p.Gln22883fs (NM_001256850.1); c.46373dup, p.Gln15459fs (NM_003319.4); c.65864dup, p.Gln21956fs (NM_133378.4); c.46748dup, p.Gln15584fs (NM_133432.3); c.46949dup, p.Gln15651fs (NM_133437.4); short protein forms Q21956fs, Q22883fs, Q15459fs, Q15651fs, Q24524fs, Q15584fs.
Identifiers: ClinVar variation 2932836 (VCV002932836.3), dbSNP rs1559415567, ClinGen allele CA2662129231.